The following is an entry in ClinVar:

NM_005548.3(KARS1):c.1097C>T (p.Thr366Ile)

Gene: KARS1 (lysyl-tRNA synthetase 1; minus strand). Cytogenetic location: 16q23.1.
Variant type: single nucleotide variant.
Coding change: c.1097C>T on transcript NM_005548.3 (MANE Select); coding-DNA position 1097, C replaced by T.
Protein change: p.Thr366Ile; replaces threonine 366 with isoleucine.
Molecular consequence: missense variant.
Genome position (GRCh38, 1-based): chr16:75,631,571, G>A on the plus strand (C>T on the coding strand, the complement: KARS1 is on the minus strand). VCF-style: chr16-75631571-G-A. GRCh37 (hg19) VCF-style: chr16-75665469-G-A.
Other names: c.1181C>T, p.Thr394Ile (NM_001130089.2); c.629C>T, p.Thr210Ile (NM_001378148.1); short protein forms T210I, T366I, T394I.
Identifiers: ClinVar variation 1682423 (VCV001682423.9), dbSNP rs777496301, ClinGen allele CA8177384.

ClinVar aggregate classification (germline): Uncertain significance. Review status: criteria provided, multiple submitters, no conflicts (2 of 4 stars). 3 submissions from 3 submitters: Uncertain significance (3). Last evaluated 2025-10-23.

Allele frequency attached by ClinVar (database versions not stated): gnomAD exomes 0.00004 and 0.00008; ExAC 0.00005.
gnomAD v4.1: 27 of 1,614,022 alleles (0.0017%); highest among the groups gnomAD compares: Admixed American, 0.043%; no homozygotes.

Submissions (3):

GeneDx
Classification: Uncertain significance. Last evaluated: 2025-10-23. Review status: criteria provided, single submitter. Criteria: GeneDx Variant Classification Process June 2021. Collection method: clinical testing. Allele origin: germline. Affected: yes.
Comment: In silico analysis suggests that this missense variant does not alter protein structure/function; Has not been previously published as pathogenic or benign to our knowledge

Labcorp Genetics (formerly Invitae), Labcorp
Classification: Uncertain significance. Last evaluated: 2024-01-02. Review status: criteria provided, single submitter. Criteria: Invitae Variant Classification Sherloc (09022015). Collection method: clinical testing. Allele origin: germline.
Comment: This sequence change replaces threonine, which is neutral and polar, with isoleucine, which is neutral and non-polar, at codon 394 of the KARS protein (p.Thr394Ile). This variant is present in population databases (rs777496301, gnomAD 0.06%). This variant has not been reported in the literature in individuals affected with KARS-related conditions. ClinVar contains an entry for this variant (Variation ID: 1682423). Advanced modeling of protein sequence and biophysical properties (such as structural, functional, and spatial information, amino acid conservation, physicochemical variation, residue mobility, and thermodynamic stability) performed at Invitae indicates that this missense variant is not expected to disrupt KARS protein function with a negative predictive value of 80%. In summary, the available evidence is currently insufficient to determine the role of this variant in disease. Therefore, it has been classified as a Variant of Uncertain Significance.

Blueprint Genetics
Classification: Uncertain significance. Last evaluated: 2021-02-02. Review status: criteria provided, single submitter. Criteria: ACMG Guidelines, 2015. Collection method: clinical testing. Allele origin: germline.